The following is an entry in ClinVar:

NM_130384.3(ATRIP):c.761G>T (p.Ser254Ile)

Genes: ATRIP (ATR interacting protein; plus strand), ATRIP-TREX1 (ATRIP-TREX1 readthrough; plus strand). Cytogenetic location: 3p21.31.
Variant type: single nucleotide variant.
Coding change: c.761G>T on transcript NM_130384.3 (MANE Select); coding-DNA position 761, G replaced by T.
Protein change: p.Ser254Ile; replaces serine 254 with isoleucine.
Molecular consequence: missense variant. On other transcripts: non-coding transcript variant (1).
Genome position (GRCh38, 1-based): chr3:48,457,348, G>T. VCF-style: chr3-48457348-G-T. GRCh37 (hg19) VCF-style: chr3-48498748-G-T.
Other names: c.380G>T, p.Ser127Ile (NM_001271022.2); c.482G>T, p.Ser161Ile (NM_001271023.2); c.761G>T, p.Ser254Ile (NM_032166.4); short protein forms S127I, S161I, S254I.
Identifiers: ClinVar variation 4644512 (VCV004644512.1).
Genomic context (GRCh38, chr3:48,457,348, plus strand): 5'-AGCCAGAAGCATGTTCTCCACAATTTGGAAAAACATCTTTTCCTACAAAGGAGTCTTTTA[G>T]TGCTAACATGTCCCTTCCCCACCCCTGCCAGACGGAGTCAGGATACAAGCCTCTGGTGGG-3'
Protein context (NP_569055.1, residues 244-264): KTSFPTKESF[Ser254Ile]ANMSLPHPCQ

ClinVar aggregate classification (germline): Uncertain significance (1 of 4 stars; one submission).

gnomAD v4.1: 1 of 1,608,310 alleles (0.000062%); highest among the groups gnomAD compares: African/African-American, 0.0013%; no homozygotes.

Submission:

Ambry Genetics
Classification: Uncertain significance. Last evaluated: 2025-09-21. Review status: criteria provided, single submitter. Criteria: Ambry Variant Classification Scheme 2023. Collection method: clinical testing. Allele origin: germline.
Comment: The p.S254I variant (also known as c.761G>T), located in coding exon 5 of the ATRIP gene, results from a G to T substitution at nucleotide position 761. The serine at codon 254 is replaced by isoleucine, an amino acid with dissimilar properties. This amino acid position is conserved. In addition, this alteration is predicted to be tolerated by in silico analysis. Based on the available evidence, the clinical significance of this variant remains unclear.